The following is an entry in ClinVar:

NM_001367498.1(CNTNAP5):c.1971C>G (p.Asp657Glu)

Gene: CNTNAP5 (contactin associated protein family member 5; plus strand). Cytogenetic location: 2q14.3.
Variant type: single nucleotide variant.
Coding change: c.1971C>G on transcript NM_001367498.1 (MANE Select); coding-DNA position 1971, C replaced by G.
Protein change: p.Asp657Glu; replaces aspartic acid 657 with glutamic acid.
Molecular consequence: missense variant.
Genome position (GRCh38, 1-based): chr2:124,647,852, C>G. VCF-style: chr2-124647852-C-G. GRCh37 (hg19) VCF-style: chr2-125405429-C-G.
Other names: c.1968C>G, p.Asp656Glu (NM_130773.4); c.1968C>G (NM_130773.2); short protein forms D656E, D657E.
Identifiers: ClinVar variation 2651324 (VCV002651324.25), dbSNP rs182009600, ClinGen allele CA1856057.
Genomic context (GRCh38, chr2:124,647,852, plus strand): 5'-TACAGAGCTGACCCGAGTGCGGGGCGCTAACCCTGAGAAGCCCTATGCCATGGCCTTGGA[C>G]TACGGGGGCAGCATGGAACAGCTGGAGGCCGTGATCGACGGCTCTGAGCACTGTGAGCAG-3'
Protein context (NP_001354427.1, residues 647-667): NPEKPYAMAL[Asp657Glu]YGGSMEQLEA

ClinVar aggregate classification (germline): Conflicting classifications of pathogenicity. Review status: criteria provided, conflicting classifications (1 of 4 stars). 2 submissions from 2 submitters: Uncertain significance (1); Likely benign (1). Last evaluated 2025-08-29.

Allele frequency attached by ClinVar (database versions not stated): 1000 Genomes Project 0.00100; TOPMed 0.00123; ESP Exome Variant Server 0.00127; gnomAD 0.00135; 1000 Genomes Project 30x 0.00141; ExAC 0.00149; gnomAD exomes 0.00178.
gnomAD v4.1: 2,781 of 1,613,446 alleles (0.17%); highest among the groups gnomAD compares: Non-Finnish European, 0.21%; 3 homozygotes.

Submissions (2):

Ambry Genetics
Classification: Uncertain significance. Last evaluated: 2025-08-29. Review status: criteria provided, single submitter. Criteria: Ambry Variant Classification Scheme 2023. Collection method: clinical testing. Allele origin: germline.

CeGaT Center for Human Genetics Tuebingen
Classification: Likely benign. Last evaluated: 2023-03-01. Review status: criteria provided, single submitter. Criteria: CeGaT Center For Human Genetics Tuebingen Variant Classification Criteria Version 2. Collection method: clinical testing. Allele origin: germline. Affected: yes. Observed: 1 variant allele.
Comment: CNTNAP5: BP4, BP5